The following is an entry in ClinVar:

ClinVar aggregate classification (germline): Uncertain significance (1 of 4 stars; one submission).

Submission:

Labcorp Genetics (formerly Invitae), Labcorp
Classification: Uncertain significance. Last evaluated: 2022-08-09. Review status: criteria provided, single submitter. Criteria: Invitae Variant Classification Sherloc (09022015). Collection method: clinical testing. Allele origin: germline.
Comment: In summary, the available evidence is currently insufficient to determine the role of this variant in disease. Therefore, it has been classified as a Variant of Uncertain Significance. Algorithms developed to predict the effect of missense changes on protein structure and function are either unavailable or do not agree on the potential impact of this missense change (SIFT: "Deleterious"; PolyPhen-2: "Benign"; Align-GVGD: "Class C35"). This variant has not been reported in the literature in individuals affected with MPDZ-related conditions. This variant is not present in population databases (gnomAD no frequency). This sequence change replaces glutamine, which is neutral and polar, with arginine, which is basic and polar, at codon 1393 of the MPDZ protein (p.Gln1393Arg).

NM_001378778.1(MPDZ):c.4178A>G (p.Gln1393Arg)

Gene: MPDZ (multiple PDZ domain crumbs cell polarity complex component; minus strand). Cytogenetic location: 9p23.
Variant type: single nucleotide variant.
Coding change: c.4178A>G on transcript NM_001378778.1 (MANE Select); coding-DNA position 4178, A replaced by G.
Protein change: p.Gln1393Arg; replaces glutamine 1393 with arginine.
Molecular consequence: missense variant.
Genome position (GRCh38, 1-based): chr9:13,137,979, T>C on the plus strand (A>G on the coding strand, the complement: MPDZ is on the minus strand). VCF-style: chr9-13137979-T-C. GRCh37 (hg19) VCF-style: chr9-13137978-T-C.
Other names: c.4079A>G, p.Gln1360Arg (NM_001261406.2, NM_001261407.2, NM_001375416.1 and 3 more transcripts); c.4178A>G, p.Gln1393Arg (NM_001330637.2, NM_001375413.1, NM_003829.5); c.3968A>G, p.Gln1323Arg (NM_001375420.1, NM_001375421.1, NM_001375422.1 and 4 more transcripts); c.3770A>G, p.Gln1257Arg (NM_001375427.1); short protein forms Q1257R, Q1360R, Q1323R, Q1393R.
Identifiers: ClinVar variation 1937715 (VCV001937715.5), dbSNP rs2489466334, ClinGen allele CA372949080.